The following is an entry in ClinVar:

NM_001171.6(ABCC6):c.1480A>G (p.Ile494Val)

Gene: ABCC6 (ATP binding cassette subfamily C member 6; minus strand). Cytogenetic location: 16p13.11.
Variant type: single nucleotide variant.
Coding change: c.1480A>G on transcript NM_001171.6 (MANE Select); coding-DNA position 1480, A replaced by G.
Protein change: p.Ile494Val; replaces isoleucine 494 with valine.
Molecular consequence: missense variant. On other transcripts: non-coding transcript variant (1).
Genome position (GRCh38, 1-based): chr16:16,190,319, T>C on the plus strand (A>G on the coding strand, the complement: ABCC6 is on the minus strand). VCF-style: chr16-16190319-T-C. GRCh37 (hg19) VCF-style: chr16-16284176-T-C.
Other names: c.1480A>G (NM_001171.5); c.1138A>G, p.Ile380Val (NM_001351800.1); short protein forms I380V, I494V.
Identifiers: ClinVar variation 3695838 (VCV003695838.3).

ClinVar aggregate classification (germline): Uncertain significance. Review status: criteria provided, multiple submitters, no conflicts (2 of 4 stars). 2 submissions from 2 submitters: Uncertain significance (2). Last evaluated 2025-04-08.

Conditions:
Inborn genetic diseases. Identifiers: MedGen C0950123, MeSH D030342.

gnomAD v4.1: 2 of 1,614,172 alleles (0.00012%); highest among the groups gnomAD compares: Non-Finnish European, 0.000085%; no homozygotes.

Submissions (2):

Ambry Genetics
Classification: Uncertain significance for Inborn genetic diseases. Last evaluated: 2025-04-08. Review status: criteria provided, single submitter. Criteria: Ambry Variant Classification Scheme 2023. Collection method: clinical testing. Allele origin: germline.

Labcorp Genetics (formerly Invitae), Labcorp
Classification: Uncertain significance. Last evaluated: 2025-01-19. Review status: criteria provided, single submitter. Criteria: Invitae Variant Classification Sherloc (09022015). Collection method: clinical testing. Allele origin: germline.
Comment: This sequence change replaces isoleucine, which is neutral and non-polar, with valine, which is neutral and non-polar, at codon 494 of the ABCC6 protein (p.Ile494Val). This variant is present in population databases (no rsID available, gnomAD 0.006%). This variant has not been reported in the literature in individuals affected with ABCC6-related conditions. An algorithm developed to predict the effect of missense changes on protein structure and function outputs the following: PolyPhen-2: "Benign". The valine amino acid residue is found in multiple mammalian species, which suggests that this missense change does not adversely affect protein function. In summary, the available evidence is currently insufficient to determine the role of this variant in disease. Therefore, it has been classified as a Variant of Uncertain Significance.